The following is an entry in ClinVar:

NM_017654.4(SAMD9):c.4262C>A (p.Pro1421Gln)

Gene: SAMD9 (sterile alpha motif domain containing 9; minus strand). Cytogenetic location: 7q21.2.
Variant type: single nucleotide variant.
Coding change: c.4262C>A on transcript NM_017654.4 (MANE Select); coding-DNA position 4262, C replaced by A.
Protein change: p.Pro1421Gln; replaces proline 1421 with glutamine.
Molecular consequence: missense variant.
Genome position (GRCh38, 1-based): chr7:93,101,836, G>T on the plus strand (C>A on the coding strand, the complement: SAMD9 is on the minus strand). VCF-style: chr7-93101836-G-T. GRCh37 (hg19) VCF-style: chr7-92731149-G-T.
Other names: c.4262C>A, p.Pro1421Gln (NM_001193307.2); short protein forms P1421Q.
Identifiers: ClinVar variation 2631385 (VCV002631385.1), dbSNP rs757068675, ClinGen allele CA368179982.

ClinVar aggregate classification (germline): Uncertain significance (1 of 4 stars; one submission).

Conditions:
SAMD9-related disorder. Also called: SAMD9-related condition.

Submission:

PreventionGenetics, part of Exact Sciences
Classification: Uncertain significance for SAMD9-related condition. Last evaluated: 2023-07-07. Review status: criteria provided, single submitter. Criteria: ACMG Guidelines, 2015. Collection method: clinical testing. Allele origin: germline.
Comment: The SAMD9 c.4262C>A variant is predicted to result in the amino acid substitution p.Pro1421Gln. To our knowledge, this variant has not been reported in the literature or in a large population database, indicating this variant is rare. At this time, the clinical significance of this variant is uncertain due to the absence of conclusive functional and genetic evidence.